The following is an entry in ClinVar:

NM_000138.5(FBN1):c.6412_6441del (p.Lys2138_Gly2147del)

Gene: FBN1 (fibrillin 1; minus strand). Cytogenetic location: 15q21.1.
Variant type: Deletion.
Coding change: c.6412_6441del on transcript NM_000138.5 (MANE Select); coding-DNA positions 6412 to 6441, 30 bases deleted (AAACATGGACAGTGCATCAATACAGATGGT).
Protein change: p.Lys2138_Gly2147del.
Molecular consequence: inframe deletion.
Genome position (GRCh38, 1-based): chr15:48,437,016-48,437,045, ACCATCTGTATTGATGCACTGTCCATGTTT deleted on the plus strand (AAACATGGACAGTGCATCAATACAGATGGT on the coding strand, the reverse complement: FBN1 is on the minus strand); deleting any 30 consecutive bases within chr15:48,437,016-48,437,047 gives the same sequence; the c. name uses the placement nearest the transcript's 3' end. VCF-style (leftmost placement, unchanged base first): chr15-48437015-AACCATCTGTATTGATGCACTGTCCATGTTT-A. GRCh37 (hg19) VCF-style: chr15-48729212-AACCATCTGTATTGATGCACTGTCCATGTTT-A.
Other names: c.6412_6441delAAACATGGACAGTGCATCAATACAGATGGT (NM_000138.4).
Identifiers: ClinVar variation 571212 (VCV000571212.10), dbSNP rs1566896070, ClinGen allele CA891844189.

ClinVar aggregate classification (germline): Pathogenic (1 of 4 stars; one submission).

Conditions:
Familial thoracic aortic aneurysm and aortic dissection (TAAD). Also called: Thoracic aortic aneurysms and dissections. Identifiers: Orphanet 91387, MedGen C4707243, MONDO:0019625.
Marfan syndrome (MFS). Also called: FBN1-Related Marfan Syndrome; Marfan syndrome type 1; Marfan's syndrome; Marfan syndrome, classic; MARFAN SYNDROME, TYPE I. Identifiers: Orphanet 284963, Orphanet 558, MedGen C0024796, MONDO:0007947, OMIM 154700.

Submission:

Labcorp Genetics (formerly Invitae), Labcorp
Classification: Pathogenic for Marfan syndrome; Familial thoracic aortic aneurysm and aortic dissection. Last evaluated: 2023-10-03. Review status: criteria provided, single submitter. Criteria: Invitae Variant Classification Sherloc (09022015). Collection method: clinical testing. Allele origin: germline.
Comment: This variant, c.6412_6441del, results in the deletion of 10 amino acid(s) of the FBN1 protein (p.Lys2138_Gly2147del), but otherwise preserves the integrity of the reading frame. This variant is not present in population databases (gnomAD no frequency). This variant has not been reported in the literature in individuals affected with FBN1-related conditions. ClinVar contains an entry for this variant (Variation ID: 571212). This variant affects a cysteine residue in the EGF-like, TGFBP or hybrid motif domains of FBN1. Cysteine residues are believed to be involved in intramolecular disulfide bridges and have been shown to be important for FBN1 protein structure (PMID: 16905551, 19349279). In addition, missense substitutions affecting cysteine residues within these domains are significantly overrepresented among patients with Marfan syndrome (PMID: 16571647, 17701892). This variant disrupts a region of the FBN1 protein in which other variant(s) (p.Asn2144Ser) have been determined to be pathogenic (PMID: 8504310, 12938084, 16220557, 17657824). This suggests that this is a clinically significant region of the protein, and that variants that disrupt it are likely to be disease-causing. For these reasons, this variant has been classified as Pathogenic.

Literature cited by the submitters: PubMed 16905551; PubMed 19349279; PubMed 16571647; PubMed 17701892; PubMed 8504310; PubMed 12938084; PubMed 16220557; PubMed 17657824.